The following is an entry in ClinVar:

ClinVar aggregate classification (germline): Likely benign (1 of 4 stars; one submission).

Allele frequency attached by ClinVar (database versions not stated): gnomAD 0.00005; gnomAD exomes 0.00007; ExAC 0.00010; TOPMed 0.00014.
gnomAD v4.1: 113 of 1,614,062 alleles (0.007%); highest among the groups gnomAD compares: Middle Eastern, 0.016%; 1 homozygote.

Submission:

CeGaT Center for Human Genetics Tuebingen
Classification: Likely benign. Last evaluated: 2022-05-01. Review status: criteria provided, single submitter. Criteria: CeGaT Center For Human Genetics Tuebingen Variant Classification Criteria Version 2. Collection method: clinical testing. Allele origin: germline. Affected: yes. Observed: 1 variant allele.
Comment: SPATA31H1: BP4, BP7

NM_032266.5(SPATA31H1):c.14175T>C (p.His4725=)

Gene: SPATA31H1 (SPATA31 subfamily H member 1; plus strand). Cytogenetic location: 2p23.3.
Variant type: single nucleotide variant.
Coding change: c.14175T>C on transcript NM_032266.5 (MANE Select); coding-DNA position 14175, T replaced by C.
Protein change: p.His4725=; no amino-acid change (histidine 4725 retained).
Molecular consequence: synonymous variant.
Genome position (GRCh38, 1-based): chr2:27,580,535, T>C. VCF-style: chr2-27580535-T-C. GRCh37 (hg19) VCF-style: chr2-27803402-T-C.
Identifiers: ClinVar variation 2650775 (VCV002650775.23), dbSNP rs755523900, ClinGen allele CA1582883.